The following is an entry in ClinVar:

NM_000535.7(PMS2):c.5A>T (p.Glu2Val)

Gene: PMS2 (PMS1 homolog 2, mismatch repair system component; minus strand). Cytogenetic location: 7p22.1.
Variant type: single nucleotide variant.
Coding change: c.5A>T on transcript NM_000535.7 (MANE Select); coding-DNA position 5, A replaced by T.
Protein change: p.Glu2Val; replaces glutamic acid 2 with valine.
Molecular consequence: missense variant. On other transcripts: 5 prime UTR variant (11), non-coding transcript variant (1).
Genome position (GRCh38, 1-based): chr7:6,009,015, T>A on the plus strand (A>T on the coding strand, the complement: PMS2 is on the minus strand). VCF-style: chr7-6009015-T-A. GRCh37 (hg19) VCF-style: chr7-6048646-T-A.
Other names: c.-396A>T (NM_001322003.2, NM_001322013.2); c.-261A>T (NM_001322004.2, NM_001322010.2); c.-591A>T (NM_001322005.2); c.5A>T, p.Glu2Val (NM_001322006.2, NM_001322014.2); c.-211A>T (NM_001322007.2); c.-71A>T (NM_001322008.2); c.-586A>T (NM_001322009.2); c.-880A>T (NM_001322011.2); and 2 more; short protein forms E2V.
Identifiers: ClinVar variation 480365 (VCV000480365.6), dbSNP rs876658233, ClinGen allele CA366745244.
Genomic context (GRCh38, chr7:6,009,015, plus strand): 5'-GCGCGCGAGAGGGGACACCGGAAGACTGCGAGCCCCGCTCACCTCGAGCTCTCAGCTCGC[T>A]CCATGGATGCAACACCCGATCCGCCTCGGGGACTGGGAAAGTTCCCTCCAGGGCTCCCAC-3'
Protein context (NP_000526.2, residues 1-12): M[Glu2Val]RAESSSTEPA

ClinVar aggregate classification (germline): Uncertain significance. Review status: criteria provided, multiple submitters, no conflicts (2 of 4 stars). 2 submissions from 2 submitters: Uncertain significance (2). Last evaluated 2023-12-13.

Conditions:
Lynch syndrome. Identifiers: Orphanet 144, MedGen C4552100, MONDO:0005835. Disease mechanism: loss of function.
Hereditary cancer-predisposing syndrome. Also called: Hereditary Cancer Syndrome; Neoplastic Syndromes, Hereditary; Tumor predisposition; Hereditary neoplastic syndrome. Identifiers: Orphanet 140162, MedGen C0027672, MeSH D009386, MONDO:0015356.

Submissions (2):

All of Us Research Program, National Institutes of Health
Classification: Uncertain significance for Lynch syndrome. Last evaluated: 2023-12-13. Review status: criteria provided, single submitter. Criteria: ACMG Guidelines, 2015. Collection method: clinical testing. Allele origin: germline. Inheritance: Autosomal dominant inheritance. Observed: 1 variant allele, 1 heterozygote.
Comment: This missense variant replaces glutamic acid with valine at codon 2 of the PMS2 protein. Computational prediction suggests that this variant may not impact protein structure and function (internally defined REVEL score threshold <= 0.5, PMID: 27666373). To our knowledge, functional studies have not been reported for this variant. This variant has not been reported in individuals affected with PMS2-related disorders in the literature. This variant has not been identified in the general population by the Genome Aggregation Database (gnomAD). The available evidence is insufficient to determine the role of this variant in disease conclusively. Therefore, this variant is classified as a Variant of Uncertain Significance.

This study involves interpretation of variants in research participants for the purpose of population health screening. Participant phenotype was not available at the time of variant classification. Additional details can be found in publication PMID: 35346344, PMCID: PMC8962531

Ambry Genetics
Classification: Uncertain significance for Hereditary cancer-predisposing syndrome. Last evaluated: 2017-01-09. Review status: criteria provided, single submitter. Criteria: Ambry Variant Classification Scheme 2023. Collection method: clinical testing. Allele origin: germline.
Comment: The p.E2V variant (also known as c.5A>T), located in coding exon 1 of the PMS2 gene, results from an A to T substitution at nucleotide position 5. The glutamic acid at codon 2 is replaced by valine, an amino acid with dissimilar properties. This amino acid position is highly conserved in available vertebrate species. In addition, this alteration is predicted to be deleterious by in silico analysis. Since supporting evidence is limited at this time, the clinical significance of this alteration remains unclear.